The following is an entry in ClinVar:

NM_025179.4(PLXNA2):c.2061C>T (p.Thr687=)

Gene: PLXNA2 (plexin A2; minus strand). Cytogenetic location: 1q32.2.
Variant type: single nucleotide variant.
Coding change: c.2061C>T on transcript NM_025179.4 (MANE Select); coding-DNA position 2061, C replaced by T.
Protein change: p.Thr687=; no amino-acid change (threonine 687 retained).
Molecular consequence: synonymous variant.
Genome position (GRCh38, 1-based): chr1:208,092,822, G>A on the plus strand (C>T on the coding strand, the complement: PLXNA2 is on the minus strand). VCF-style: chr1-208092822-G-A. GRCh37 (hg19) VCF-style: chr1-208266167-G-A.
Identifiers: ClinVar variation 3353701 (VCV003353701.1).

ClinVar aggregate classification (germline): Likely benign (0 of 4 stars; one submission).

Conditions:
PLXNA2-related disorder. Also called: PLXNA2-related condition.

gnomAD v4.1: 2 of 1,613,972 alleles (0.00012%); highest among the groups gnomAD compares: East Asian, 0.0022%; no homozygotes.

Submission:

PreventionGenetics, part of Exact Sciences
Classification: Likely benign for PLXNA2-related condition. Last evaluated: 2024-09-01. Review status: no assertion criteria provided. Collection method: clinical testing. Allele origin: germline.
Comment: This variant is classified as likely benign based on ACMG/AMP sequence variant interpretation guidelines (Richards et al. 2015 PMID: 25741868, with internal and published modifications).